The following is an entry in ClinVar:

NM_002693.3(POLG):c.497C>T (p.Pro166Leu)

Genes: POLGARF (POLG alternative reading frame; minus strand), POLG (DNA polymerase gamma, catalytic subunit; minus strand). Cytogenetic location: 15q26.1.
Variant type: single nucleotide variant.
Coding change: c.497C>T on transcript NM_002693.3 (MANE Select); coding-DNA position 497, C replaced by T.
Protein change: p.Pro166Leu; replaces proline 166 with leucine.
Molecular consequence: missense variant.
Genome position (GRCh38, 1-based): chr15:89,333,258, G>A on the plus strand (C>T on the coding strand, the complement: POLG is on the minus strand). VCF-style: chr15-89333258-G-A. GRCh37 (hg19) VCF-style: chr15-89876489-G-A.
Other names: c.497C>T, p.Pro166Leu (NM_001126131.2); short protein forms P166L.
Identifiers: ClinVar variation 2015336 (VCV002015336.4), dbSNP rs1463733201, ClinGen allele CA393771268.
Genomic context (GRCh38, chr15:89,333,258, plus strand): 5'-GGTACGGCCTCCCCCTCGGGGCCGTACCGGGTCCAGCCCTCCGCCCAGGCCCAAGCCGGG[G>A]GCTTCGGGGGCAGCTGGGCCTGCAACAGCAAGTTGGCCGCCTCCAGGTAGGGCAGGCTCT-3'
Protein context (NP_002684.1, residues 156-176): LLLQAQLPPK[Pro166Leu]PAWAWAEGWT

ClinVar aggregate classification (germline): Uncertain significance (1 of 4 stars; one submission).

Conditions:
Progressive sclerosing poliodystrophy (MTDPS4A). Also called: Mitochondrial DNA Depletion Syndrome 4A; ALPERS PROGRESSIVE INFANTILE POLIODYSTROPHY; NEURONAL DEGENERATION OF CHILDHOOD WITH LIVER DISEASE, PROGRESSIVE; Mitochondrial DNA depletion syndrome 4A (Alpers type); Alpers Syndrome; ALPERS DIFFUSE DEGENERATION OF CEREBRAL GRAY MATTER WITH HEPATIC CIRRHOSIS. Identifiers: Orphanet 726, MedGen C0205710, MONDO:0008758, OMIM 203700.

gnomAD v4.1: 1 of 1,566,204 alleles (0.000064%); highest among the groups gnomAD compares: Non-Finnish European, 0.000087%; no homozygotes.

Submission:

Labcorp Genetics (formerly Invitae), Labcorp
Classification: Uncertain significance for Progressive sclerosing poliodystrophy. Last evaluated: 2022-07-09. Review status: criteria provided, single submitter. Criteria: Invitae Variant Classification Sherloc (09022015). Collection method: clinical testing. Allele origin: germline.
Comment: In summary, the available evidence is currently insufficient to determine the role of this variant in disease. Therefore, it has been classified as a Variant of Uncertain Significance. Algorithms developed to predict the effect of missense changes on protein structure and function are either unavailable or do not agree on the potential impact of this missense change (SIFT: "Deleterious"; PolyPhen-2: "Probably Damaging"; Align-GVGD: "Class C0"). This variant has not been reported in the literature in individuals affected with POLG-related conditions. This variant is not present in population databases (gnomAD no frequency). This sequence change replaces proline, which is neutral and non-polar, with leucine, which is neutral and non-polar, at codon 166 of the POLG protein (p.Pro166Leu).